The following is an entry in ClinVar:

NM_002692.4(POLE2):c.392G>A (p.Arg131His)

Gene: POLE2 (DNA polymerase epsilon 2, accessory subunit; minus strand). Cytogenetic location: 14q21.3.
Variant type: single nucleotide variant.
Coding change: c.392G>A on transcript NM_002692.4 (MANE Select); coding-DNA position 392, G replaced by A.
Protein change: p.Arg131His; replaces arginine 131 with histidine.
Molecular consequence: missense variant.
Genome position (GRCh38, 1-based): chr14:49,674,148, C>T on the plus strand (G>A on the coding strand, the complement: POLE2 is on the minus strand). VCF-style: chr14-49674148-C-T. GRCh37 (hg19) VCF-style: chr14-50140866-C-T.
Other names: c.314G>A, p.Arg105His (NM_001197330.2); c.392G>A, p.Arg131His (NM_001197331.3, NM_001348384.2); c.161G>A, p.Arg54His (NM_001348385.2); short protein forms R131H, R54H, R105H.
Identifiers: ClinVar variation 2280195 (VCV002280195.6), dbSNP rs145759008, ClinGen allele CA7173639.
Genomic context (GRCh38, chr14:49,674,148, plus strand): 5'-CCAGTATCCTCCCCTCCGCCCCCTACCAAACTTACCTGGTGCAAAATGGTATATCGCTCA[C>T]GAAACATCTCTGCTTTATCTCTTGGTGTTCCAAATAAATTTGGTGCAGGGTGGTTGGTCA-3'
Protein context (NP_002683.2, residues 121-141): GTPRDKAEMF[Arg131His]ERYTILHQRT

ClinVar aggregate classification (germline): Uncertain significance. Review status: criteria provided, multiple submitters, no conflicts (2 of 4 stars). 3 submissions from 3 submitters: Uncertain significance (3). Last evaluated 2025-11-10.

Allele frequency attached by ClinVar (database versions not stated): gnomAD 0.00001; TOPMed 0.00001; gnomAD exomes 0.00002; ExAC 0.00003; ESP Exome Variant Server 0.00015.
gnomAD v4.1: 32 of 1,612,750 alleles (0.002%); highest among the groups gnomAD compares: Admixed American, 0.0067%; no homozygotes.

Submissions (3):

Labcorp Genetics (formerly Invitae), Labcorp
Classification: Uncertain significance. Last evaluated: 2025-11-10. Review status: criteria provided, single submitter. Criteria: Invitae Variant Classification Sherloc (09022015). Collection method: clinical testing. Allele origin: germline.
Comment: This sequence change replaces arginine, which is basic and polar, with histidine, which is basic and polar, at codon 131 of the POLE2 protein (p.Arg131His). This variant is present in population databases (rs145759008, gnomAD 0.008%). This variant has not been reported in the literature in individuals affected with POLE2-related conditions. ClinVar contains an entry for this variant (Variation ID: 2280195). An algorithm developed to predict the effect of missense changes on protein structure and function (PolyPhen-2) suggests that this variant is likely to be disruptive. In summary, the available evidence is currently insufficient to determine the role of this variant in disease. Therefore, it has been classified as a Variant of Uncertain Significance.

Blueprint Genetics
Classification: Uncertain significance. Last evaluated: 2024-02-15. Review status: criteria provided, single submitter. Criteria: ACMG Guidelines, 2015. Collection method: clinical testing. Allele origin: germline.

Ambry Genetics
Classification: Uncertain significance. Last evaluated: 2022-03-29. Review status: criteria provided, single submitter. Criteria: Ambry Variant Classification Scheme 2023. Collection method: clinical testing. Allele origin: germline.